The following is an entry in ClinVar:

ClinVar aggregate classification (germline): Likely pathogenic (1 of 4 stars; one submission).

Conditions:
Hereditary cancer-predisposing syndrome. Also called: Hereditary Cancer Syndrome; Hereditary neoplastic syndrome; Neoplastic Syndromes, Hereditary; Tumor predisposition. Identifiers: Orphanet 140162, MedGen C0027672, MeSH D009386, MONDO:0015356.

Submission:

Ambry Genetics
Classification: Likely pathogenic for Hereditary cancer-predisposing syndrome. Last evaluated: 2025-08-28. Review status: criteria provided, single submitter. Criteria: Ambry Variant Classification Scheme 2023. Collection method: clinical testing. Allele origin: germline.
Comment: The c.1904_1909+9del15 variant results from a deletion of 15 nucleotides between positions c.1904 and c.1909+9 and involves the canonical splice donor site after coding exon 9 of the BRCA2 gene. This variant is considered to be rare based on population cohorts in the Genome Aggregation Database (gnomAD). The canonical splice donor site is highly conserved in available vertebrate species. In silico splice site analysis predicts that this alteration will weaken the native splice donor site; however, direct evidence is insufficient at this time (Ambry internal data). Another variant impacting the same donor site (c.1909+1G>A) has demonstrated significant aberrant splicing resulting in multi-exon skipping expected to result in an NMD-prone transcript (Ambry internal data, Montalban G. et al J Med Genet 2019 02;56(2):63-74). Alterations that disrupt the canonical splice site are expected to cause aberrant splicing, resulting in an abnormal protein or a transcript that is subject to nonsense-mediated mRNA decay. As such, this alteration is classified as likely pathogenic.

NM_000059.4(BRCA2):c.1904_1909+9del

Gene: BRCA2 (BRCA2 DNA repair associated; plus strand). Cytogenetic location: 13q13.1.
Variant type: Deletion.
Coding change: c.1904_1909+9del on transcript NM_000059.4 (MANE Select); coding-DNA position 1904 through 9 bases into the intron after coding-DNA position 1909, 15 bases deleted (ATTCAGGTACCTCTG).
Molecular consequence: splice donor variant. On other transcripts: intron variant (1).
Genome position (GRCh38, 1-based): chr13:32,333,382-32,333,396, ATTCAGGTACCTCTG deleted; deleting any 15 consecutive bases within chr13:32,333,379-32,333,396 gives the same sequence; the c. name uses the placement nearest the transcript's 3' end. VCF-style (leftmost placement, unchanged base first): chr13-32333378-GCTGATTCAGGTACCT-G. GRCh37 (hg19) VCF-style: chr13-32907515-GCTGATTCAGGTACCT-G.
Other names: c.1904_1909+9del (NM_001432077.1, NM_001406720.1, NM_001406719.1 and 1 more transcripts); c.424+2352_424+2366del (NM_001406722.1).
Identifiers: ClinVar variation 4215911 (VCV004215911.1).